The following is an entry in ClinVar:

NM_000808.4(GABRA3):c.1300C>T (p.Pro434Ser)

Gene: GABRA3 (gamma-aminobutyric acid type A receptor subunit alpha3; minus strand). Cytogenetic location: Xq28.
Variant type: single nucleotide variant.
Coding change: c.1300C>T on transcript NM_000808.4 (MANE Select); coding-DNA position 1300, C replaced by T.
Protein change: p.Pro434Ser; replaces proline 434 with serine.
Molecular consequence: missense variant.
Genome position (GRCh38, 1-based): chrX:152,168,407, G>A on the plus strand (C>T on the coding strand, the complement: GABRA3 is on the minus strand). VCF-style: chrX-152168407-G-A. GRCh37 (hg19) VCF-style: chrX-151336879-G-A.
Other names: short protein forms P434S.
Identifiers: ClinVar variation 4885545 (VCV004885545.2).

ClinVar aggregate classification (germline): Uncertain significance (1 of 4 stars; one submission).

gnomAD v4.1: 4 of 1,212,087 alleles (0.00033%); highest among the groups gnomAD compares: Admixed American, 0.0043%; no homozygotes.

Submission:

Dasa
Classification: Uncertain significance. Last evaluated: 2026-03-09. Review status: criteria provided, single submitter. Criteria: DASA Assertion Criteria. Collection method: clinical testing. Allele origin: germline.
Comment: NM_000808.4(GABRA3):c.1300C>T (p.Pro434Ser) is a missense variant that results in the substitution of proline with serine. This variant is rare in population databases. The currently available literature and clinical evidence are not sufficient to establish a definitive association between this variant and the reported condition. Therefore, this variant is classified as a variant of uncertain significance.